The following is an entry in ClinVar:

NM_030665.4(RAI1):c.2452dup (p.Val818fs)

Gene: RAI1 (retinoic acid induced 1; plus strand). Cytogenetic location: 17p11.2.
Variant type: Duplication.
Coding change: c.2452dup on transcript NM_030665.4 (MANE Select); coding-DNA position 2452, one base duplicated (G; older notation c.2452dupG).
Protein change: p.Val818fs; shifts the reading frame from valine 818.
Molecular consequence: frameshift variant.
Genome position (GRCh38, 1-based): chr17:17,795,400, G duplicated; the last of 4 consecutive G bases (chr17:17,795,397-17,795,400); duplicating any one gives the same sequence. VCF-style (leftmost placement, unchanged base first): chr17-17795396-T-TG. GRCh37 (hg19) VCF-style: chr17-17698710-T-TG.
Other names: short protein forms V818fs.
Identifiers: ClinVar variation 4727678 (VCV004727678.1).

ClinVar aggregate classification (germline): Pathogenic (1 of 4 stars; one submission).

Submission:

Labcorp Genetics (formerly Invitae), Labcorp
Classification: Pathogenic. Last evaluated: 2025-09-22. Review status: criteria provided, single submitter. Criteria: Invitae Variant Classification Sherloc (09022015). Collection method: clinical testing. Allele origin: germline.
Comment: This sequence change creates a premature translational stop signal (p.Val818Glyfs*18) in the RAI1 gene. It is expected to result in an absent or disrupted protein product. Loss-of-function variants in RAI1 are known to be pathogenic (PMID: 21857958, 24715852). This variant is not present in population databases (gnomAD no frequency). This variant has not been reported in the literature in individuals affected with RAI1-related conditions. For these reasons, this variant has been classified as Pathogenic.

Literature cited by the submitters: PubMed 21857958; PubMed 24715852.